The following is an entry in ClinVar:

NM_033026.6(PCLO):c.6761A>C (p.Asp2254Ala)

Gene: PCLO (piccolo presynaptic cytomatrix protein; minus strand). Cytogenetic location: 7q21.11.
Variant type: single nucleotide variant.
Coding change: c.6761A>C on transcript NM_033026.6 (MANE Select); coding-DNA position 6761, A replaced by C.
Protein change: p.Asp2254Ala; replaces aspartic acid 2254 with alanine.
Molecular consequence: missense variant.
Genome position (GRCh38, 1-based): chr7:82,954,192, T>G on the plus strand (A>C on the coding strand, the complement: PCLO is on the minus strand). VCF-style: chr7-82954192-T-G. GRCh37 (hg19) VCF-style: chr7-82583508-T-G.
Other names: c.6761A>C, p.Asp2254Ala (NM_014510.3); short protein forms D2254A.
Identifiers: ClinVar variation 1347760 (VCV001347760.6), dbSNP rs529909914, ClinGen allele CA4320414.

ClinVar aggregate classification (germline): Uncertain significance. Review status: criteria provided, multiple submitters, no conflicts (2 of 4 stars). 2 submissions from 2 submitters: Uncertain significance (2). Last evaluated 2024-01-01.

Conditions:
Pontocerebellar hypoplasia type 3 (PCH3). Also called: PCH WITH OPTIC ATROPHY; CEREBELLAR ATROPHY WITH PROGRESSIVE MICROCEPHALY. Identifiers: Orphanet 97249, MedGen C1842687, MONDO:0011948, OMIM 608027.

Allele frequency attached by ClinVar (database versions not stated): gnomAD 0.00001; TOPMed 0.00001; gnomAD exomes 0.00003; ExAC 0.00004.
gnomAD v4.1: 48 of 1,613,372 alleles (0.003%); highest among the groups gnomAD compares: South Asian, 0.033%; 2 homozygotes.

Submissions (2):

Daryl Scott Lab, Baylor College of Medicine
Classification: Uncertain significance for Pontocerebellar hypoplasia type 3. Last evaluated: 2024-01-01. Review status: criteria provided, single submitter. Criteria: ACMG Guidelines, 2015. Collection method: clinical testing. Allele origin: paternal. Observed: 1 heterozygote.
Comment: PM2

Labcorp Genetics (formerly Invitae), Labcorp
Classification: Uncertain significance. Last evaluated: 2022-11-02. Review status: criteria provided, single submitter. Criteria: Invitae Variant Classification Sherloc (09022015). Collection method: clinical testing. Allele origin: germline.
Comment: This sequence change replaces aspartic acid, which is acidic and polar, with alanine, which is neutral and non-polar, at codon 2254 of the PCLO protein (p.Asp2254Ala). This variant is present in population databases (rs529909914, gnomAD 0.02%). This variant has not been reported in the literature in individuals affected with PCLO-related conditions. ClinVar contains an entry for this variant (Variation ID: 1347760). Algorithms developed to predict the effect of missense changes on protein structure and function are either unavailable or do not agree on the potential impact of this missense change (SIFT: "Tolerated"; PolyPhen-2: "Not Available"; Align-GVGD: "Class C0"). In summary, the available evidence is currently insufficient to determine the role of this variant in disease. Therefore, it has been classified as a Variant of Uncertain Significance.